The following is an entry in ClinVar:

NM_000093.5(COL5A1):c.580A>G (p.Ser194Gly)

Gene: COL5A1 (collagen type V alpha 1 chain; plus strand). Cytogenetic location: 9q34.3.
Variant type: single nucleotide variant.
Coding change: c.580A>G on transcript NM_000093.5 (MANE Select); coding-DNA position 580, A replaced by G.
Protein change: p.Ser194Gly; replaces serine 194 with glycine.
Molecular consequence: missense variant.
Genome position (GRCh38, 1-based): chr9:134,701,259, A>G. VCF-style: chr9-134701259-A-G. GRCh37 (hg19) VCF-style: chr9-137593105-A-G.
Other names: c.580A>G, p.Ser194Gly (NM_001278074.1); short protein forms S194G.
Identifiers: ClinVar variation 1318514 (VCV001318514.2), dbSNP rs2132573049, ClinGen allele CA375443388.

ClinVar aggregate classification (germline): Uncertain significance (1 of 4 stars; one submission).

Allele frequency attached by ClinVar (database versions not stated): gnomAD exomes below 0.00001.
gnomAD v4.1: 1 of 1,614,028 alleles (0.000062%); highest among the groups gnomAD compares: Non-Finnish European, 0.000085%; no homozygotes.

Submission:

GeneDx
Classification: Uncertain significance. Last evaluated: 2019-08-05. Review status: criteria provided, single submitter. Criteria: GeneDx Variant Classification Process June 2021. Collection method: clinical testing. Allele origin: germline. Affected: yes.
Comment: Not observed in large population cohorts (Lek et al., 2016); In silico analysis, which includes protein predictors and evolutionary conservation, supports that this variant does not alter protein structure/function; Has not been previously published as pathogenic or benign to our knowledge